The following is an entry in ClinVar:

ClinVar aggregate classification (germline): Conflicting classifications of pathogenicity. Review status: criteria provided, conflicting classifications (1 of 4 stars). 7 submissions from 7 submitters: Likely pathogenic (5); Uncertain significance (2). Last evaluated 2026-08-01.

Conditions:
MYBPC3-related disorder. Also called: MYBPC3-related disorders; MYBPC3-related condition; MYBPC3-related disease.
Cardiomyopathy (CMYO). Also called: Cardiomyopathies. Identifiers: Orphanet 167848, MedGen C0878544, MONDO:0004994, HP:0001638. Inheritance: Various modes of inheritance.
Hypertrophic cardiomyopathy 4. Also called: Familial hypertrophic cardiomyopathy 4. Identifiers: MedGen C1861862, MONDO:0007268, OMIM 115197.
Hypertrophic cardiomyopathy. Also called: HYPERTROPHIC MYOCARDIOPATHY. Identifiers: Orphanet 217569, MedGen C0007194, MeSH D002312, MONDO:0005045, HP:0001639.

Submissions (7):

CeGaT Center for Human Genetics Tuebingen
Classification: Likely pathogenic. Last evaluated: 2026-08-01. Review status: criteria provided, single submitter. Criteria: CeGaT Center For Human Genetics Tuebingen Variant Classification Criteria Version 2. Collection method: clinical testing. Allele origin: germline. Affected: yes. Observed: 1 variant allele.
Comment: MYBPC3: PM2, PS4:Moderate, PVS1:Moderate

PreventionGenetics, part of Exact Sciences
Classification: Likely pathogenic for MYBPC3-related condition. Last evaluated: 2026-02-04. Review status: criteria provided, single submitter. Criteria: ACMG Guidelines, 2015. Collection method: clinical testing. Allele origin: germline.
Comment: The MYBPC3 c.3G>C variant is predicted to disrupt the translation initiation site (Start loss). This variant has been reported in individuals with hypertrophic cardiomyopathy (HCM; Supplemental Table 7, Alfares et al. 2015. PubMed ID: 25611685; Table S8, McGurk et al. 2023. PubMed ID: 37652022; Table S1B, Walsh et al. 2017. PubMed ID: 27532257). This variant is reported in 0.00095% of alleles in individuals of European (Non‑Finnish) descent in gnomAD. An alternate nucleotide change at the same genomic position (c.3G>A) has been reported in the compound heterozygous state in an individual with early‑onset HCM (Zhou et al. 2018. PubMed ID: 29524613). Taken together, this variant is interpreted as likely pathogenic.

GeneDx
Classification: Likely pathogenic. Last evaluated: 2025-11-24. Review status: criteria provided, single submitter. Criteria: GeneDx Variant Classification Process June 2021. Collection method: clinical testing. Allele origin: germline. Affected: yes.
Comment: Has been reported in association with cardiomyopathy but patient specific details were not provided in these reports (PMID: 25611685, 37652022); Initiation codon variant in a gene for which loss of function is a known mechanism of disease; Not observed at significant frequency in large population cohorts (gnomAD); This variant is associated with the following publications: (PMID: 27532257, 28679633, 30297972, 29524613, 25611685, 37652022)

Color Diagnostics, LLC DBA Color Health
Classification: Likely pathogenic for Cardiomyopathy. Last evaluated: 2025-09-13. Review status: criteria provided, single submitter. Criteria: ACMG Guidelines, 2015. Collection method: clinical testing. Allele origin: germline.
Comment: This variant causes the loss of methionine residue at translation initiation codon 1 in the MYBPC3 protein. This variant is expected to result in the loss of MYBPC3 protein expression. This variant has been reported in several individuals affected with hypertrophic cardiomyopathy (PMID: 25611685, 27532257, 30297972, 32841044, 37652022). This variant has been identified in 1/231038 chromosomes in the general population by the Genome Aggregation Database (gnomAD). Loss of MYBPC3 gene function is a known mechanism of disease. Based on the available evidence, this variant is classified as Likely Pathogenic.

Labcorp Genetics (formerly Invitae), Labcorp
Classification: Uncertain significance for Hypertrophic cardiomyopathy. Last evaluated: 2025-09-03. Review status: criteria provided, single submitter. Criteria: Invitae Variant Classification Sherloc (09022015). Collection method: clinical testing. Allele origin: germline.
Comment: This sequence change affects the initiator codon of the MYBPC3 mRNA. This change may impact translation initiation or efficiency. The next in-frame methionine is located at codon 103. This variant is present in population databases (rs397516045, gnomAD 0.001%). Disruption of the initiator codon has been observed in individual(s) with MYBPC3-related conditions (PMID: 25611685, 27532257, 29524613, 33996946). ClinVar contains an entry for this variant (Variation ID: 42747). Experimental studies and prediction algorithms are not available or were not evaluated, and the functional significance of this variant is currently unknown. This variant disrupts a region of the MYBPC3 protein in which other variant(s) (p.Arg17) have been observed in individuals with MYBPC3-related conditions (PMID: 25342278, 29121657, 30871747, 37652022). This suggests that this is a clinically significant region of the protein, and that variants that disrupt it are likely to be disease-causing. In summary, the available evidence is currently insufficient to determine the role of this variant in disease. Therefore, it has been classified as a Variant of Uncertain Significance.

Institute of Human Genetics, Heidelberg University
Classification: Likely pathogenic for Hypertrophic cardiomyopathy 4. Last evaluated: 2025-05-30. Review status: criteria provided, single submitter. Criteria: ACMG Guidelines, 2015. Collection method: clinical testing. Allele origin: paternal. Observed: 2 variant alleles.
Comment: PVS1, PM2_sup

Laboratory for Molecular Medicine, Mass General Brigham Personalized Medicine
Classification: Uncertain significance. Last evaluated: 2019-11-20. Review status: criteria provided, single submitter. Criteria: LMM Criteria. Collection method: clinical testing. Allele origin: germline. Observed: 2 variant alleles.
Comment: proposed classification - variant undergoing re-assessment, contact laboratory

Literature cited by the submitters: PubMed 25611685 (cited by 3 submitters); PubMed 27532257 (cited by 3 submitters); PubMed 30297972 (cited by Color Diagnostics, LLC DBA Color Health); PubMed 32841044 (cited by Color Diagnostics, LLC DBA Color Health); PubMed 37652022 (cited by Color Diagnostics, LLC DBA Color Health and Labcorp Genetics (formerly Invitae), Labcorp); PubMed 29524613 (cited by Labcorp Genetics (formerly Invitae), Labcorp and Laboratory for Molecular Medicine, Mass General Brigham Personalized Medicine); PubMed 33996946 (cited by Labcorp Genetics (formerly Invitae), Labcorp); PubMed 25342278 (cited by Labcorp Genetics (formerly Invitae), Labcorp); PubMed 29121657 (cited by Labcorp Genetics (formerly Invitae), Labcorp); PubMed 30871747 (cited by Labcorp Genetics (formerly Invitae), Labcorp).

NM_000256.3(MYBPC3):c.3G>C (p.Met1Ile)

Gene: MYBPC3 (myosin binding protein C3; minus strand). Cytogenetic location: 11p11.2.
Variant type: single nucleotide variant.
Coding change: c.3G>C on transcript NM_000256.3 (MANE Select); coding-DNA position 3, G replaced by C.
Protein change: p.Met1Ile; changes the start codon (methionine 1).
Molecular consequence: missense variant, initiator codon variant.
Genome position (GRCh38, 1-based): chr11:47,352,645, C>G on the plus strand (G>C on the coding strand, the complement: MYBPC3 is on the minus strand). VCF-style: chr11-47352645-C-G. GRCh37 (hg19) VCF-style: chr11-47374196-C-G.
Other names: short protein forms M1I.
Identifiers: ClinVar variation 42747 (VCV000042747.22), dbSNP rs397516045, ClinGen allele CA015014.